The following is an entry in ClinVar:

ClinVar aggregate classification (germline): Uncertain significance (1 of 4 stars; one submission).

Conditions:
Heterotopia, periventricular, X-linked dominant (PVNH1). Also called: PERIVENTRICULAR NODULAR HETEROTOPIA 1; X-linked periventricular heterotopia; PERIVENTRICULAR NODULAR HETEROTOPIA 4; HETEROTOPIA, PERIVENTRICULAR, 1. Identifiers: Orphanet 2149, Orphanet 82004, MedGen C1848213, MONDO:0010233, OMIM 300049.
Melnick-Needles syndrome (MNS). Also called: MELNICK-NEEDLES OSTEODYSPLASTY; OSTEODYSPLASTY OF MELNICK AND NEEDLES; Melnick-Needles Syndrome (FLNA-MNS). Identifiers: Orphanet 2484, MedGen C0025237, MONDO:0010650, OMIM 309350.
Frontometaphyseal dysplasia (FMD1). Identifiers: Orphanet 1826, MedGen C0265293, MONDO:0015942.
Oto-palato-digital syndrome, type II (OPD2). Also called: FACIOPALATOOSSEOUS SYNDROME; OPD II SYNDROME; Otopalatodigital Syndrome Type 2 (FLNA-OPD2); Otopalatodigital Syndrome, Type II. Identifiers: Orphanet 669, Orphanet 90652, MedGen C1844696, MONDO:0010571, OMIM 304120.

gnomAD v4.1: 1 of 1,211,707 alleles (0.000083%); no homozygotes.

Submission:

Labcorp Genetics (formerly Invitae), Labcorp
Classification: Uncertain significance for Oto-palato-digital syndrome, type II; Heterotopia, periventricular, X-linked dominant; Frontometaphyseal dysplasia; Melnick-Needles syndrome. Last evaluated: 2025-09-23. Review status: criteria provided, single submitter. Criteria: Invitae Variant Classification Sherloc (09022015). Collection method: clinical testing. Allele origin: germline.
Comment: This sequence change replaces threonine, which is neutral and polar, with asparagine, which is neutral and polar, at codon 2054 of the FLNA protein (p.Thr2054Asn). This variant is not present in population databases (gnomAD no frequency). This variant has not been reported in the literature in individuals affected with FLNA-related conditions. Invitae Evidence Modeling of protein sequence and biophysical properties (such as structural, functional, and spatial information, amino acid conservation, physicochemical variation, residue mobility, and thermodynamic stability) indicates that this missense variant is not expected to disrupt FLNA protein function with a negative predictive value of 95%. In summary, the available evidence is currently insufficient to determine the role of this variant in disease. Therefore, it has been classified as a Variant of Uncertain Significance.

NM_001110556.2(FLNA):c.6185C>A (p.Thr2062Asn)

Gene: FLNA (filamin A; minus strand). Cytogenetic location: Xq28.
Variant type: single nucleotide variant.
Coding change: c.6185C>A on transcript NM_001110556.2 (MANE Select); coding-DNA position 6185, C replaced by A.
Protein change: p.Thr2062Asn; replaces threonine 2062 with asparagine.
Molecular consequence: missense variant.
Genome position (GRCh38, 1-based): chrX:154,353,042, G>T on the plus strand (C>A on the coding strand, the complement: FLNA is on the minus strand). VCF-style: chrX-154353042-G-T. GRCh37 (hg19) VCF-style: chrX-153581410-G-T.
Other names: c.6161C>A, p.Thr2054Asn (NM_001456.4); short protein forms T2054N, T2062N.
Identifiers: ClinVar variation 4791636 (VCV004791636.1).